The following is an entry in ClinVar:

NM_001267550.2(TTN):c.2227G>A (p.Ala743Thr)

Gene: TTN (titin; minus strand). Cytogenetic location: 2q31.2.
Variant type: single nucleotide variant.
Coding change: c.2227G>A on transcript NM_001267550.2 (MANE Select); coding-DNA position 2227, G replaced by A.
Protein change: p.Ala743Thr; replaces alanine 743 with threonine.
Molecular consequence: missense variant.
Genome position (GRCh38, 1-based): chr2:178,785,991, C>T on the plus strand (G>A on the coding strand, the complement: TTN is on the minus strand). VCF-style: chr2-178785991-C-T. GRCh37 (hg19) VCF-style: chr2-179650718-C-T.
Other names: c.2227G>A, p.Ala743Thr (NM_133378.4, NM_001256850.1, NM_133379.5); c.2089G>A, p.Ala697Thr (NM_003319.4, NM_133432.3, NM_133437.4); short protein forms A743T, A697T.
Identifiers: ClinVar variation 180564 (VCV000180564.8), dbSNP rs370728359, ClinGen allele CA346741.

ClinVar aggregate classification (germline): Conflicting classifications of pathogenicity. Review status: criteria provided, conflicting classifications (1 of 4 stars). 3 submissions from 3 submitters: Uncertain significance (2); Likely benign (1). Last evaluated 2025-12-10.

Allele frequency attached by ClinVar (database versions not stated): ESP Exome Variant Server 0.00008; gnomAD exomes 0.00001; ExAC 0.00001; TOPMed 0.00002.
gnomAD v4.1: 31 of 1,613,890 alleles (0.0019%); highest among the groups gnomAD compares: East Asian, 0.0045%; no homozygotes.

Submissions (3):

Women's Health and Genetics/Laboratory Corporation of America, LabCorp
Classification: Uncertain significance. Last evaluated: 2025-12-10. Review status: criteria provided, single submitter. Criteria: LabCorp Variant Classification Summary - May 2015. Collection method: clinical testing. Allele origin: germline.
Comment: Variant summary: TTN c.2227G>A (p.Ala743Thr) results in a non-conservative amino acid change in the encoded protein sequence. Algorithms developed to predict the effect of missense changes on protein structure and function are either unavailable or do not agree on the potential impact of this missense change. The variant allele was found at a frequency of 8e-06 in 251060 control chromosomes. The available data on variant occurrences in the general population are insufficient to allow any conclusion about variant significance. To our knowledge, no occurrence of c.2227G>A in individuals affected with TTN-related conditions and no experimental evidence demonstrating its impact on protein function have been reported. ClinVar contains an entry for this variant (Variation ID: 180564). Based on the evidence outlined above, the variant was classified as uncertain significance.

Revvity Omics, Revvity
Classification: Uncertain significance. Last evaluated: 2023-05-23. Review status: criteria provided, single submitter. Criteria: ACMG Guidelines, 2015. Collection method: clinical testing. Allele origin: germline.

Laboratory for Molecular Medicine, Mass General Brigham Personalized Medicine
Classification: Likely benign. Last evaluated: 2017-05-31. Review status: criteria provided, single submitter. Criteria: LMM Criteria. Collection method: clinical testing. Allele origin: germline. Observed: 1 variant allele.
Comment: p.Ala743Thr in exon 14 of TTN: This variant is not expected to have clinical sig nificance due to a lack of conservation across species, including >10 mammals. I n addition, computational prediction tools do not suggest a high likelihood of i mpact to the protein. This variant has identified in 2/126354 European chromoso mes by the Genome Aggregation Database (gnomAD; dbSNP rs370728359).

Literature cited by the submitters: PubMed 11846417 (cited by Laboratory for Molecular Medicine, Mass General Brigham Personalized Medicine).